The following is an entry in ClinVar:

NM_006914.4(RORB):c.478T>G (p.Ser160Ala)

Gene: RORB (RAR related orphan receptor B; plus strand). Cytogenetic location: 9q21.13.
Variant type: single nucleotide variant.
Coding change: c.478T>G on transcript NM_006914.4 (MANE Select); coding-DNA position 478, T replaced by G.
Protein change: p.Ser160Ala; replaces serine 160 with alanine.
Molecular consequence: missense variant.
Genome position (GRCh38, 1-based): chr9:74,642,656, T>G. VCF-style: chr9-74642656-T-G. GRCh37 (hg19) VCF-style: chr9-77257572-T-G.
Other names: c.511T>G, p.Ser171Ala (NM_001365023.1); short protein forms S160A, S171A.
Identifiers: ClinVar variation 2502022 (VCV002502022.1), dbSNP rs2489584005, ClinGen allele CA373769947.

ClinVar aggregate classification (germline): Uncertain significance (1 of 4 stars; one submission).

Submission:

GeneDx
Classification: Uncertain significance. Last evaluated: 2023-04-24. Review status: criteria provided, single submitter. Criteria: GeneDx Variant Classification Process June 2021. Collection method: clinical testing. Allele origin: germline. Affected: yes.
Comment: Not observed at significant frequency in large population cohorts (gnomAD); In silico analysis supports that this missense variant does not alter protein structure/function; Has not been previously published as pathogenic or benign to our knowledge